The following is an entry in ClinVar:

NM_001369.3(DNAH5):c.3152G>A (p.Trp1051Ter)

Genes: DNAH5 (dynein axonemal heavy chain 5; minus strand), DNAH5-AS1 (DNAH5 antisense RNA 1; plus strand). Cytogenetic location: 5p15.2.
Variant type: single nucleotide variant.
Coding change: c.3152G>A on transcript NM_001369.3 (MANE Select); coding-DNA position 3152, G replaced by A.
Protein change: p.Trp1051Ter; replaces tryptophan 1051 with a stop codon.
Molecular consequence: nonsense.
Genome position (GRCh38, 1-based): chr5:13,882,926, C>T on the plus strand (G>A on the coding strand, the complement: DNAH5 is on the minus strand). VCF-style: chr5-13882926-C-T. GRCh37 (hg19) VCF-style: chr5-13883035-C-T.
Other names: short protein forms W1051*.
Identifiers: ClinVar variation 1724898 (VCV001724898.3), dbSNP rs2547030805, ClinGen allele CA359192736.

ClinVar aggregate classification (germline): Likely pathogenic (1 of 4 stars; one submission).

Conditions:
Primary ciliary dyskinesia 3. Identifiers: Orphanet 244, MedGen C1837618, MONDO:0012085, OMIM 608644.

Allele frequency attached by ClinVar (database versions not stated): gnomAD exomes below 0.00001.
gnomAD v4.1: 1 of 1,614,156 alleles (0.000062%); highest among the groups gnomAD compares: African/African-American, 0.0013%; no homozygotes.

Submission:

Myriad Genetics, Inc.
Classification: Likely pathogenic for Primary ciliary dyskinesia 3. Last evaluated: 2021-11-24. Review status: criteria provided, single submitter. Criteria: Myriad Women's Health Autosomal Recessive and X-Linked Classification Criteria (2021). Collection method: clinical testing. Allele origin: unknown.
Comment: NM_001369.2(DNAH5):c.3152G>A(W1051*) is expected to be pathogenic in the context of DNAH5-related primary ciliary dyskinesia. This variant is predicted to lead to an abnormal or absent protein product due to the creation of a premature termination codon in DNAH5, a gene where loss-of-function variants are known to be pathogenic. Please note: this variant was assessed in the context of healthy population screening.